The following is an entry in ClinVar:

NM_005592.4(MUSK):c.899C>A (p.Thr300Asn)

Gene: MUSK (muscle associated receptor tyrosine kinase; plus strand). Cytogenetic location: 9q31.3.
Variant type: single nucleotide variant.
Coding change: c.899C>A on transcript NM_005592.4 (MANE Select); coding-DNA position 899, C replaced by A.
Protein change: p.Thr300Asn; replaces threonine 300 with asparagine.
Molecular consequence: missense variant. On other transcripts: 5 prime UTR variant (1).
Genome position (GRCh38, 1-based): chr9:110,747,786, C>A. VCF-style: chr9-110747786-C-A. GRCh37 (hg19) VCF-style: chr9-113510066-C-A.
Other names: p.Thr300Asn; c.929C>A, p.Thr310Asn (NM_001166280.2); c.899C>A, p.Thr300Asn (NM_001166281.2); c.-338C>A (NM_001369398.1); short protein forms T300N, T310N.
Identifiers: ClinVar variation 542750 (VCV000542750.9), dbSNP rs1554749322, ClinGen allele CA374668451.

ClinVar aggregate classification (germline): Uncertain significance. Review status: criteria provided, multiple submitters, no conflicts (2 of 4 stars). 2 submissions from 2 submitters: Uncertain significance (2). Last evaluated 2023-12-06.

Conditions:
Fetal akinesia deformation sequence 1 (FADS1). Also called: Fetal akinesia sequence; Pena-Shokeir syndrome type I. Identifiers: Orphanet 994, MedGen C1276035, MONDO:0100101, OMIM 208150, HP:0001989.
Congenital myasthenic syndrome 9. Also called: Myasthenic syndrome, congenital, 9, associated with acetylcholine receptor deficiency. Identifiers: Orphanet 590, MedGen C4225368, MONDO:0014587, OMIM 616325.

Submissions (2):

Labcorp Genetics (formerly Invitae), Labcorp
Classification: Uncertain significance for Congenital myasthenic syndrome 9; Fetal akinesia deformation sequence 1. Last evaluated: 2023-12-06. Review status: criteria provided, single submitter. Criteria: Invitae Variant Classification Sherloc (09022015). Collection method: clinical testing. Allele origin: germline.
Comment: This sequence change replaces threonine, which is neutral and polar, with asparagine, which is neutral and polar, at codon 300 of the MUSK protein (p.Thr300Asn). This variant is not present in population databases (gnomAD no frequency). This variant has not been reported in the literature in individuals affected with MUSK-related conditions. ClinVar contains an entry for this variant (Variation ID: 542750). Advanced modeling of protein sequence and biophysical properties (such as structural, functional, and spatial information, amino acid conservation, physicochemical variation, residue mobility, and thermodynamic stability) performed at Invitae indicates that this missense variant is not expected to disrupt MUSK protein function with a negative predictive value of 80%. In summary, the available evidence is currently insufficient to determine the role of this variant in disease. Therefore, it has been classified as a Variant of Uncertain Significance.

Mayo Clinic Laboratories, Mayo Clinic
Classification: Uncertain significance. Last evaluated: 2021-11-12. Review status: criteria provided, single submitter. Criteria: ACMG Guidelines, 2015. Collection method: clinical testing. Allele origin: germline.